The following is an entry in ClinVar:

NM_021956.5(GRIK2):c.1949C>T (p.Ser650Leu)

Gene: GRIK2 (glutamate ionotropic receptor kainate type subunit 2; plus strand). Cytogenetic location: 6q16.3.
Variant type: single nucleotide variant.
Coding change: c.1949C>T on transcript NM_021956.5 (MANE Select); coding-DNA position 1949, C replaced by T.
Protein change: p.Ser650Leu; replaces serine 650 with leucine.
Molecular consequence: missense variant.
Genome position (GRCh38, 1-based): chr6:101,928,496, C>T. VCF-style: chr6-101928496-C-T. GRCh37 (hg19) VCF-style: chr6-102376371-C-T.
Other names: c.1949C>T, p.Ser650Leu (NM_001166247.1, NM_175768.3); short protein forms S650L.
Identifiers: ClinVar variation 3766194 (VCV003766194.1).

ClinVar aggregate classification (germline): Uncertain significance (1 of 4 stars; one submission).

gnomAD v4.1: 3 of 1,604,712 alleles (0.00019%); highest among the groups gnomAD compares: Non-Finnish European, 0.00026%; no homozygotes.

Submission:

GeneDx
Classification: Uncertain significance. Last evaluated: 2024-08-20. Review status: criteria provided, single submitter. Criteria: GeneDx Variant Classification Process June 2021. Collection method: clinical testing. Allele origin: germline. Affected: yes.
Comment: Not observed at significant frequency in large population cohorts (gnomAD); In silico analysis supports that this missense variant has a deleterious effect on protein structure/function; Has not been previously published as pathogenic or benign to our knowledge; In silico analysis suggests this variant may impact gene splicing. In the absence of RNA/functional studies, the actual effect of this sequence change is unknown.